The following is an entry in ClinVar:

NM_001163809.2(WDR81):c.4910_4934del (p.His1637fs)

Gene: WDR81 (WD repeat domain 81; plus strand). Cytogenetic location: 17p13.3.
Variant type: Deletion.
Coding change: c.4910_4934del on transcript NM_001163809.2 (MANE Select); coding-DNA positions 4910 to 4934, 25 bases deleted (ACCAGATCCGCCTGCAGAGCTTCCC).
Protein change: p.His1637fs; shifts the reading frame from histidine 1637.
Molecular consequence: frameshift variant.
Genome position (GRCh38, 1-based): chr17:1,733,947-1,733,971, ACCAGATCCGCCTGCAGAGCTTCCC deleted; deleting any 25 consecutive bases within chr17:1,733,945-1,733,971 gives the same sequence; the c. name uses the placement nearest the transcript's 3' end. VCF-style (leftmost placement, unchanged base first): chr17-1733944-TCCACCAGATCCGCCTGCAGAGCTTC-T. GRCh37 (hg19) VCF-style: chr17-1637238-TCCACCAGATCCGCCTGCAGAGCTTC-T.
Other names: c.1301_1325del, p.His434fs (NM_001163673.2); c.1229_1253del, p.His410fs (NM_001163811.2); c.1757_1781del, p.His586fs (NM_152348.4); short protein forms H1637fs, H410fs, H434fs, H586fs.
Identifiers: ClinVar variation 3055081 (VCV003055081.2), dbSNP rs2543908886, ClinGen allele CA2740095185.

ClinVar aggregate classification (germline): Likely pathogenic (0 of 4 stars; one submission).

Conditions:
WDR81-related disorder. Also called: WDR81-related condition.

Submission:

PreventionGenetics, part of Exact Sciences
Classification: Likely pathogenic for WDR81-related condition. Last evaluated: 2023-12-21. Review status: no assertion criteria provided. Collection method: clinical testing. Allele origin: germline.
Comment: The WDR81 c.4910_4934del25 variant is predicted to result in a frameshift and premature protein termination (p.His1637Argfs*13). To our knowledge, this variant has not been reported in the literature or in a large population database, indicating this variant is rare. Frameshift variants in WDR81 are expected to be pathogenic. This variant is interpreted as likely pathogenic.